The following is an entry in ClinVar:

NM_020937.4(FANCM):c.496G>A (p.Ala166Thr)

Gene: FANCM (FA complementation group M; plus strand). Cytogenetic location: 14q21.2.
Variant type: single nucleotide variant.
Coding change: c.496G>A on transcript NM_020937.4 (MANE Select); coding-DNA position 496, G replaced by A.
Protein change: p.Ala166Thr; replaces alanine 166 with threonine.
Molecular consequence: missense variant.
Genome position (GRCh38, 1-based): chr14:45,136,527, G>A. VCF-style: chr14-45136527-G-A. GRCh37 (hg19) VCF-style: chr14-45605730-G-A.
Other names: c.496G>A, p.Ala166Thr (NM_001308133.2, NM_001308134.2); short protein forms A166T.
Identifiers: ClinVar variation 313191 (VCV000313191.12), dbSNP rs369365858, ClinGen allele CA7168775.

ClinVar aggregate classification (germline): Uncertain significance. Review status: criteria provided, multiple submitters, no conflicts (2 of 4 stars). 3 submissions from 3 submitters: Uncertain significance (3). Last evaluated 2024-05-03.

Conditions:
Spermatogenic failure 28. Identifiers: MedGen C4748117, MONDO:0054732, OMIM 618086.
Premature ovarian failure 15. Identifiers: MedGen C4748170, MONDO:0054862, OMIM 618096.
Fanconi anemia (FA). Also called: Fanconi's anemia. Identifiers: Orphanet 84, MedGen C0015625, MeSH D005199, MONDO:0019391.

Allele frequency attached by ClinVar (database versions not stated): TOPMed 0.00003; gnomAD 0.00004; gnomAD exomes 0.00010 and 0.00004; ExAC 0.00002; ESP Exome Variant Server 0.00008.
gnomAD v4.1: 155 of 1,613,648 alleles (0.0096%); highest among the groups gnomAD compares: Non-Finnish European, 0.012%; no homozygotes.

Submissions (3):

GeneDx
Classification: Uncertain significance. Last evaluated: 2024-05-03. Review status: criteria provided, single submitter. Criteria: GeneDx Variant Classification Process June 2021. Collection method: clinical testing. Allele origin: germline.
Comment: Not observed at significant frequency in large population cohorts (gnomAD); In silico analysis supports that this missense variant has a deleterious effect on protein structure/function; Observed in an individual with squamous cell carcinoma of the oral cavity (PMID: 28678401); This variant is associated with the following publications: (PMID: 2867840, 28678401)

Labcorp Genetics (formerly Invitae), Labcorp
Classification: Uncertain significance for Fanconi anemia. Last evaluated: 2024-01-17. Review status: criteria provided, single submitter. Criteria: Invitae Variant Classification Sherloc (09022015). Collection method: clinical testing. Allele origin: germline.
Comment: This sequence change replaces alanine, which is neutral and non-polar, with threonine, which is neutral and polar, at codon 166 of the FANCM protein (p.Ala166Thr). This variant is present in population databases (rs369365858, gnomAD 0.006%). This missense change has been observed in individual(s) with head and neck carcinoma (PMID: 2867840). ClinVar contains an entry for this variant (Variation ID: 313191). An algorithm developed to predict the effect of missense changes on protein structure and function (PolyPhen-2) suggests that this variant is likely to be disruptive. In summary, the available evidence is currently insufficient to determine the role of this variant in disease. Therefore, it has been classified as a Variant of Uncertain Significance.

Fulgent Genetics
Classification: Uncertain significance for Spermatogenic failure 28; Premature ovarian failure 15. Last evaluated: 2022-05-25. Review status: criteria provided, single submitter. Criteria: ACMG Guidelines, 2015. Collection method: clinical testing. Allele origin: unknown.

Literature cited by the submitters: PubMed 2867840 (cited by Labcorp Genetics (formerly Invitae), Labcorp).